The following is an entry in ClinVar:

NM_003060.4(SLC22A5):c.394-1G>T

Gene: SLC22A5 (solute carrier family 22 member 5; plus strand). Cytogenetic location: 5q31.1.
Variant type: single nucleotide variant.
Coding change: c.394-1G>T on transcript NM_003060.4 (MANE Select); the canonical splice acceptor site of the intron before coding-DNA position 394, G replaced by T.
Molecular consequence: splice acceptor variant.
Genome position (GRCh38, 1-based): chr5:132,378,377, G>T. VCF-style: chr5-132378377-G-T. GRCh37 (hg19) VCF-style: chr5-131714069-G-T.
Other names: c.466-1G>T (NM_001308122.2).
Identifiers: ClinVar variation 371227 (VCV000371227.13), dbSNP rs1057517106, ClinGen allele CA16040977.

ClinVar aggregate classification (germline): Pathogenic/Likely pathogenic. Review status: criteria provided, multiple submitters, no conflicts (2 of 4 stars). 4 submissions from 4 submitters: Pathogenic (2); Likely pathogenic (1). 1 of the submissions does not count toward it. Last evaluated 2024-04-27.

Conditions:
Renal carnitine transport defect (CDSP). Also called: Primary carnitine deficiency; Systemic primary carnitine deficiency; Systemic primary carnitine deficiency disease; CARNITINE DEFICIENCY, SYSTEMIC, DUE TO DEFECT IN RENAL REABSORPTION OF CARNITINE; CARNITINE TRANSPORTER, PLASMA-MEMBRANE, DEFICIENCY OF; CARNITINE UPTAKE DEFECT. Identifiers: Orphanet 158, MedGen C0342788, MONDO:0008919, OMIM 212140.

Submissions (4):

Fulgent Genetics
Classification: Likely pathogenic for Renal carnitine transport defect. Last evaluated: 2024-04-27. Review status: criteria provided, single submitter. Criteria: ACMG Guidelines, 2015. Collection method: clinical testing. Allele origin: germline.

Baylor Genetics
Classification: Pathogenic for Renal carnitine transport defect. Last evaluated: 2023-09-14. Review status: criteria provided, single submitter. Criteria: ACMG Guidelines, 2015. Collection method: clinical testing. Allele origin: unknown.

Labcorp Genetics (formerly Invitae), Labcorp
Classification: Pathogenic for Renal carnitine transport defect. Last evaluated: 2022-10-28. Review status: criteria provided, single submitter. Criteria: Invitae Variant Classification Sherloc (09022015). Collection method: clinical testing. Allele origin: germline.
Comment: For these reasons, this variant has been classified as Pathogenic. Algorithms developed to predict the effect of sequence changes on RNA splicing suggest that this variant may disrupt the consensus splice site. ClinVar contains an entry for this variant (Variation ID: 371227). Disruption of this splice site has been observed in individual(s) with primary carnitine deficiency (PMID: 31737040, 31813139). This variant is not present in population databases (gnomAD no frequency). This sequence change affects an acceptor splice site in intron 1 of the SLC22A5 gene. It is expected to disrupt RNA splicing. Variants that disrupt the donor or acceptor splice site typically lead to a loss of protein function (PMID: 16199547), and loss-of-function variants in SLC22A5 are known to be pathogenic (PMID: 9916797).

Counsyl
Classification: Likely pathogenic for Renal carnitine transport defect. Last evaluated: 2016-08-01. Review status: no assertion criteria provided. Collection method: clinical testing. Allele origin: unknown. Not counted in ClinVar's aggregate classification.

Literature cited by the submitters: PubMed 31737040 (cited by Labcorp Genetics (formerly Invitae), Labcorp); PubMed 31813139 (cited by Labcorp Genetics (formerly Invitae), Labcorp); PubMed 16199547 (cited by Labcorp Genetics (formerly Invitae), Labcorp); PubMed 9916797 (cited by Labcorp Genetics (formerly Invitae), Labcorp).